The following is an entry in ClinVar:

NM_000054.7(AVPR2):c.310C>T (p.Arg104Cys)

Gene: AVPR2 (arginine vasopressin receptor 2; plus strand). Cytogenetic location: Xq28.
Variant type: single nucleotide variant.
Coding change: c.310C>T on transcript NM_000054.7 (MANE Select); coding-DNA position 310, C replaced by T.
Protein change: p.Arg104Cys; replaces arginine 104 with cysteine.
Molecular consequence: missense variant.
Genome position (GRCh38, 1-based): chrX:153,905,816, C>T. VCF-style: chrX-153905816-C-T. GRCh37 (hg19) VCF-style: chrX-153171270-C-T.
Other names: c.310C>T, p.Arg104Cys (NM_001146151.3); short protein forms R104C.
Identifiers: ClinVar variation 10853 (VCV000010853.13), dbSNP rs104894760, ClinGen allele CA255579.

ClinVar aggregate classification (germline): Pathogenic/Likely pathogenic. Review status: criteria provided, multiple submitters, no conflicts (2 of 4 stars). 8 submissions from 8 submitters: Pathogenic (1); Likely pathogenic (4). 3 of the submissions do not count toward it. Last evaluated 2026-09-01.

Conditions:
AVPR2-related disorder. Also called: AVPR2-related condition.
Diabetes insipidus, nephrogenic, X-linked. Also called: Nephrogenic Diabetes Insipidus, Type I. Identifiers: Orphanet 223, MedGen C1563705, MONDO:0010581, OMIM 304800.
Nephrogenic syndrome of inappropriate antidiuresis (NSIAD). Identifiers: Orphanet 93606, MedGen C1845202, MONDO:0010356, OMIM 300539.
Nephrogenic diabetes insipidus. Identifiers: Orphanet 223, MedGen C0162283, MONDO:0016383, HP:0009806.

Allele frequency attached by ClinVar (database versions not stated): gnomAD exomes below 0.00001.

Submissions (8):

GeneDx
Classification: Likely pathogenic. Last evaluated: 2026-09-01. Review status: criteria provided, single submitter. Criteria: GeneDx Variant Classification Process June 2021. Collection method: clinical testing. Allele origin: germline.
Comment: Not observed at significant frequency in large population cohorts (gnomAD); In silico analysis supports that this missense variant has a deleterious effect on protein structure/function; This variant is associated with the following publications: (PMID: 19812297, 11232028, 14709855, 27350623, 34101133, 35325889, 41605691, Ferrao2026[CaseReport])

Women's Health and Genetics/Laboratory Corporation of America, LabCorp
Classification: Likely pathogenic for Nephrogenic diabetes insipidus. Last evaluated: 2025-07-23. Review status: criteria provided, single submitter. Criteria: LabCorp Variant Classification Summary - May 2015. Collection method: clinical testing. Allele origin: germline.
Comment: Variant summary: AVPR2 c.310C>T (p.Arg104Cys) results in a non-conservative amino acid change in the encoded protein sequence. Algorithms developed to predict the effect of missense changes on protein structure and function all suggest that this variant is likely to be disruptive. The variant was absent in 177615 control chromosomes. c.310C>T has been observed in individuals affected with Nephrogenic Diabetes Insipidus (e.g. Inaba_2001, Miyakoshi_2003, Mizuno_2004, Keenswijk_2017, Li_2021). These data indicate that the variant is likely to be associated with disease. At least two publications reports experimental evidence evaluating an impact on protein function and found that the variant results in reduced binding capacity compared to the WT protein (e.g. Inaba_2001, Faerch_2009). The following publications have been ascertained in the context of this evaluation (PMID: 19812297, 11232028, 27350623, 34101133, 14709855, 15249704). ClinVar contains an entry for this variant (Variation ID: 10853). Based on the evidence outlined above, the variant was classified as likely pathogenic.

Labcorp Genetics (formerly Invitae), Labcorp
Classification: Likely pathogenic. Last evaluated: 2025-02-06. Review status: criteria provided, single submitter. Criteria: Invitae Variant Classification Sherloc (09022015). Collection method: clinical testing. Allele origin: germline.
Comment: This sequence change replaces arginine, which is basic and polar, with cysteine, which is neutral and slightly polar, at codon 104 of the AVPR2 protein (p.Arg104Cys). This variant is not present in population databases (gnomAD no frequency). This missense change has been observed in individuals with nephrogenic diabetes insipidus (PMID: 11232028, 14709855, 34101133). ClinVar contains an entry for this variant (Variation ID: 10853). Invitae Evidence Modeling of protein sequence and biophysical properties (such as structural, functional, and spatial information, amino acid conservation, physicochemical variation, residue mobility, and thermodynamic stability) indicates that this missense variant is expected to disrupt AVPR2 protein function with a positive predictive value of 80%. Experimental studies have shown that this missense change affects AVPR2 function (PMID: 11232028, 19812297). In summary, the currently available evidence indicates that the variant is pathogenic, but additional data are needed to prove that conclusively. Therefore, this variant has been classified as Likely Pathogenic.

Blueprint Genetics
Classification: Pathogenic for AVPR2-related disorders. Last evaluated: 2024-10-18. Review status: criteria provided, single submitter. Criteria: ACMG Guidelines, 2015. Collection method: clinical testing. Allele origin: germline. Affected: yes. Observed: 3 variant alleles.

Fulgent Genetics
Classification: Likely pathogenic for Nephrogenic syndrome of inappropriate antidiuresis; Diabetes insipidus, nephrogenic, X-linked. Last evaluated: 2021-06-30. Review status: criteria provided, single submitter. Criteria: ACMG Guidelines, 2015. Collection method: clinical testing. Allele origin: unknown.
Comment: This variant has been detected in individual(s) who were sent for testing of Renasight - kidney gene panel.

OMIM
Classification: Pathogenic for DIABETES INSIPIDUS, NEPHROGENIC, 1, X-LINKED. Last evaluated: 2001-01-01. Review status: no assertion criteria provided. Collection method: literature only. Allele origin: germline. Not counted in ClinVar's aggregate classification.

Genome Diagnostics Laboratory, University Medical Center Utrecht
Classification: Pathogenic. Review status: no assertion criteria provided. Collection method: clinical testing. Allele origin: germline. Affected: yes. Study: VKGL Data-share Consensus. Not counted in ClinVar's aggregate classification.

Joint Genome Diagnostic Labs from Nijmegen and Maastricht, Radboudumc and MUMC+
Classification: Likely pathogenic. Review status: no assertion criteria provided. Collection method: clinical testing. Allele origin: germline. Affected: yes. Study: VKGL Data-share Consensus. Not counted in ClinVar's aggregate classification.

Literature cited by the submitters: PubMed 11232028 (cited by 3 submitters); PubMed 14709855 (cited by Women's Health and Genetics/Laboratory Corporation of America, LabCorp and Labcorp Genetics (formerly Invitae), Labcorp); PubMed 19812297 (cited by Women's Health and Genetics/Laboratory Corporation of America, LabCorp and Labcorp Genetics (formerly Invitae), Labcorp); PubMed 15249704 (cited by Women's Health and Genetics/Laboratory Corporation of America, LabCorp); PubMed 27350623 (cited by Women's Health and Genetics/Laboratory Corporation of America, LabCorp); PubMed 34101133 (cited by Women's Health and Genetics/Laboratory Corporation of America, LabCorp and Labcorp Genetics (formerly Invitae), Labcorp).